The following is an entry in ClinVar:

ClinVar aggregate classification (germline): Likely benign. Review status: criteria provided, multiple submitters, no conflicts (2 of 4 stars). 3 submissions from 3 submitters: Likely benign (2). 1 of the submissions does not count toward it. Last evaluated 2026-01-24.

Conditions:
Argininosuccinate lyase deficiency. Also called: ARGININOSUCCINIC ACID LYASE DEFICIENCY; ASL DEFICIENCY; Argininosuccinic aciduria. Identifiers: Orphanet 23, MedGen C0268547, MONDO:0008815, OMIM 207900, HP:0025630.

Allele frequency attached by ClinVar (database versions not stated): gnomAD exomes 0.00008 and 0.00016; ExAC 0.00014; 1000 Genomes Project 30x 0.00031; 1000 Genomes Project 0.00040; gnomAD 0.00074 and 0.00083; TOPMed 0.00079; ESP Exome Variant Server 0.00092.
gnomAD v4.1: 230 of 1,613,870 alleles (0.014%); highest among the groups gnomAD compares: African/African-American, 0.28%; 1 homozygote.

Submissions (3):

Labcorp Genetics (formerly Invitae), Labcorp
Classification: Likely benign for Argininosuccinate lyase deficiency. Last evaluated: 2026-01-24. Review status: criteria provided, single submitter. Criteria: Invitae Variant Classification Sherloc (09022015). Collection method: clinical testing. Allele origin: germline.

CeGaT Center for Human Genetics Tuebingen
Classification: Likely benign. Last evaluated: 2023-05-01. Review status: criteria provided, single submitter. Criteria: CeGaT Center For Human Genetics Tuebingen Variant Classification Criteria Version 2. Collection method: clinical testing. Allele origin: germline. Affected: yes. Observed: 1 variant allele.
Comment: ASL: BP4, BP7

Natera, Inc.
Classification: Likely benign for Argininosuccinate lyase deficiency. Last evaluated: 2020-08-04. Review status: no assertion criteria provided. Collection method: clinical testing. Allele origin: germline. Not counted in ClinVar's aggregate classification.

NM_000048.4(ASL):c.1029C>T (p.Leu343=)

Gene: ASL (argininosuccinate lyase; plus strand). Cytogenetic location: 7q11.21.
Variant type: single nucleotide variant.
Coding change: c.1029C>T on transcript NM_000048.4 (MANE Select); coding-DNA position 1029, C replaced by T.
Protein change: p.Leu343=; no amino-acid change (leucine 343 retained).
Molecular consequence: synonymous variant.
Genome position (GRCh38, 1-based): chr7:66,089,662, C>T. VCF-style: chr7-66089662-C-T. GRCh37 (hg19) VCF-style: chr7-65554649-C-T.
Other names: c.1029C>T, p.Leu343= (NM_001024943.2); c.969C>T, p.Leu323= (NM_001024944.2); c.951C>T, p.Leu317= (NM_001024946.2).
Identifiers: ClinVar variation 705780 (VCV000705780.35), dbSNP rs140532520, ClinGen allele CA4277251.
Genomic context (GRCh38, chr7:66,089,662, plus strand): 5'-TGCCTCCCAGGAGGACAAGGAAGCTGTGTTTGAAGTGTCAGACACTATGAGTGCCGTGCT[C>T]CAGGTGGCCACTGGCGTCATCTCTACGCTGCAGGCAAGACATCACCCCCCTGCTTCTCCT-3'
Protein context (NP_000039.2, residues 333-353): FEVSDTMSAV[Leu343=]QVATGVISTL